The following is an entry in ClinVar:

ClinVar aggregate classification (germline): Uncertain significance (1 of 4 stars; one submission).

Submission:

CeGaT Center for Human Genetics Tuebingen
Classification: Uncertain significance. Last evaluated: 2025-10-01. Review status: criteria provided, single submitter. Criteria: CeGaT Center For Human Genetics Tuebingen Variant Classification Criteria Version 2. Collection method: clinical testing. Allele origin: germline. Affected: yes. Observed: 1 variant allele.
Comment: ZBTB20: PM2

NM_001348800.3(ZBTB20):c.113T>C (p.Phe38Ser)

Genes: ZBTB20 (zinc finger and BTB domain containing 20; minus strand), ZBTB20-AS1 (ZBTB20 antisense RNA 1; plus strand). Cytogenetic location: 3q13.31.
Variant type: single nucleotide variant.
Coding change: c.113T>C on transcript NM_001348800.3 (MANE Select); coding-DNA position 113, T replaced by C.
Protein change: p.Phe38Ser; replaces phenylalanine 38 with serine.
Molecular consequence: missense variant. On other transcripts: 5 prime UTR variant (12), non-coding transcript variant (1).
Genome position (GRCh38, 1-based): chr3:114,380,303, A>G on the plus strand (T>C on the coding strand, the complement: ZBTB20 is on the minus strand). VCF-style: chr3-114380303-A-G. GRCh37 (hg19) VCF-style: chr3-114099150-A-G.
Other names: c.113T>C, p.Phe38Ser (NM_001164342.2, NM_001348803.3, NM_001393393.1 and 1 more transcripts); c.-107T>C (NM_001164343.2, NM_001164344.4, NM_001164345.4 and 9 more transcripts); short protein forms F38S.
Identifiers: ClinVar variation 4534677 (VCV004534677.6).